The following is an entry in ClinVar:

NM_024596.5(MCPH1):c.928G>A (p.Val310Ile)

Gene: MCPH1 (microcephalin 1; plus strand). Cytogenetic location: 8p23.1.
Variant type: single nucleotide variant.
Coding change: c.928G>A on transcript NM_024596.5 (MANE Select); coding-DNA position 928, G replaced by A.
Protein change: p.Val310Ile; replaces valine 310 with isoleucine.
Molecular consequence: missense variant. On other transcripts: non-coding transcript variant (1).
Genome position (GRCh38, 1-based): chr8:6,444,650, G>A. VCF-style: chr8-6444650-G-A. GRCh37 (hg19) VCF-style: chr8-6302171-G-A.
Other names: c.928G>A, p.Val310Ile (NM_001172574.2, NM_001322042.2, NM_001363979.1 and 1 more transcripts); c.784G>A, p.Val262Ile (NM_001172575.2); c.922G>A, p.Val308Ile (NM_001322043.2); c.826G>A, p.Val276Ile (NM_001322045.2); short protein forms V310I, V262I, V276I, V308I.
Identifiers: ClinVar variation 592472 (VCV000592472.10), dbSNP rs199865930, ClinGen allele CA4610412.

ClinVar aggregate classification (germline): Uncertain significance. Review status: criteria provided, multiple submitters, no conflicts (2 of 4 stars). 4 submissions from 4 submitters: Uncertain significance (4). Last evaluated 2024-10-19.

Allele frequency attached by ClinVar (database versions not stated): gnomAD exomes 0.00004 and 0.00010; ExAC 0.00009; 1000 Genomes Project 0.00020; ESP Exome Variant Server 0.00025; TOPMed 0.00044; gnomAD 0.00046 and 0.00048.

Submissions (4):

Labcorp Genetics (formerly Invitae), Labcorp
Classification: Uncertain significance. Last evaluated: 2024-10-19. Review status: criteria provided, single submitter. Criteria: Invitae Variant Classification Sherloc (09022015). Collection method: clinical testing. Allele origin: germline.
Comment: This sequence change replaces valine, which is neutral and non-polar, with isoleucine, which is neutral and non-polar, at codon 310 of the MCPH1 protein (p.Val310Ile). This variant is present in population databases (rs199865930, gnomAD 0.2%). This variant has not been reported in the literature in individuals affected with MCPH1-related conditions. ClinVar contains an entry for this variant (Variation ID: 592472). Invitae Evidence Modeling of protein sequence and biophysical properties (such as structural, functional, and spatial information, amino acid conservation, physicochemical variation, residue mobility, and thermodynamic stability) indicates that this missense variant is not expected to disrupt MCPH1 protein function with a negative predictive value of 80%. In summary, the available evidence is currently insufficient to determine the role of this variant in disease. Therefore, it has been classified as a Variant of Uncertain Significance.

Blueprint Genetics
Classification: Uncertain significance. Last evaluated: 2024-08-30. Review status: criteria provided, single submitter. Criteria: ACMG Guidelines, 2015. Collection method: clinical testing. Allele origin: germline.

Eurofins Ntd Llc (ga)
Classification: Uncertain significance. Last evaluated: 2018-06-11. Review status: criteria provided, single submitter. Criteria: EGL ClinVar v180209 classification definitions. Collection method: clinical testing. Allele origin: germline. Observed: 1 variant allele, 1 heterozygote.

Breakthrough Genomics
Classification: Uncertain significance. Review status: criteria provided, single submitter. Criteria: ACMG Guidelines, 2015. Collection method: not provided. Allele origin: germline. Inheritance: Autosomal recessive inheritance. Affected: yes.